The following is an entry in ClinVar:

ClinVar aggregate classification (germline): Conflicting classifications of pathogenicity. Review status: criteria provided, conflicting classifications (1 of 4 stars). 2 submissions from 2 submitters: Likely pathogenic (1); Uncertain significance (1). Last evaluated 2022-11-19.

Conditions:
Developmental and epileptic encephalopathy, 9 (DEE9). Also called: Early infantile epileptic encephalopathy 9; EPILEPSY, FEMALE-RESTRICTED, WITH MENTAL RETARDATION; JUBERG-HELLMAN SYNDROME; PCDH19-Related X-Linked Female-Limited Epilepsy with Mental Retardation. Identifiers: Orphanet 101039, Orphanet 2076, MedGen C1848137, MONDO:0010246, OMIM 300088. Disease mechanism: loss of function.
PCDH19-related disorder. Also called: PCDH19-related condition.

gnomAD v4.1: 1 of 1,211,921 alleles (0.000083%); highest among the groups gnomAD compares: Non-Finnish European, 0.00011%; no homozygotes.

Submissions (2):

Labcorp Genetics (formerly Invitae), Labcorp
Classification: Uncertain significance for Developmental and epileptic encephalopathy, 9. Last evaluated: 2022-11-19. Review status: criteria provided, single submitter. Criteria: Invitae Variant Classification Sherloc (09022015). Collection method: clinical testing. Allele origin: germline.
Comment: In summary, the available evidence is currently insufficient to determine the role of this variant in disease. Therefore, it has been classified as a Variant of Uncertain Significance. Advanced modeling of protein sequence and biophysical properties (such as structural, functional, and spatial information, amino acid conservation, physicochemical variation, residue mobility, and thermodynamic stability) performed at Invitae indicates that this missense variant is expected to disrupt PCDH19 protein function. This missense change has been observed in individual(s) with clinical features of PCDH19-related conditions (PMID: 26765483, 30451291; Invitae). This variant is not present in population databases (gnomAD no frequency). This sequence change replaces glycine, which is neutral and non-polar, with arginine, which is basic and polar, at codon 486 of the PCDH19 protein (p.Gly486Arg).

Blueprint Genetics
Classification: Likely pathogenic for PCDH19-related disorders. Last evaluated: 2022-01-07. Review status: criteria provided, single submitter. Criteria: ACMG Guidelines, 2015. Collection method: clinical testing. Allele origin: germline. Affected: yes. Observed: 1 variant allele.

Literature cited by the submitters: PubMed 26765483 (cited by Labcorp Genetics (formerly Invitae), Labcorp); PubMed 30451291 (cited by Labcorp Genetics (formerly Invitae), Labcorp).

NM_001184880.2(PCDH19):c.1456G>C (p.Gly486Arg)

Gene: PCDH19 (protocadherin 19; minus strand). Cytogenetic location: Xq22.1.
Variant type: single nucleotide variant.
Coding change: c.1456G>C on transcript NM_001184880.2 (MANE Select); coding-DNA position 1456, G replaced by C.
Protein change: p.Gly486Arg; replaces glycine 486 with arginine.
Molecular consequence: missense variant.
Genome position (GRCh38, 1-based): chrX:100,407,142, C>G on the plus strand (G>C on the coding strand, the complement: PCDH19 is on the minus strand). VCF-style: chrX-100407142-C-G. GRCh37 (hg19) VCF-style: chrX-99662140-C-G.
Other names: c.1456G>C, p.Gly486Arg (NM_001105243.2, NM_020766.3); short protein forms G486R.
Identifiers: ClinVar variation 2737275 (VCV002737275.4), dbSNP rs2520982052, ClinGen allele CA414002689.
Genomic context (GRCh38, chrX:100,407,142, plus strand): 5'-CATAGGTGAAGACAGGCATGTCCCGCACCTGCGACGGCACGATCTGGTAGGAGACACTGC[C>G]GTTGAGACCCAGGTCGGGGTCGCGAGCAGACACAGAGAGCAGATAGGCGCCAGGCGTGTT-3'
Protein context (NP_001171809.1, residues 476-496): SARDPDLGLN[Gly486Arg]SVSYQIVPSQ